The following is an entry in ClinVar:

ClinVar aggregate classification (germline): Benign/Likely benign. Review status: criteria provided, multiple submitters, no conflicts (2 of 4 stars). 4 submissions from 4 submitters: Benign (1); Likely benign (3). Last evaluated 2025-06-09.

Conditions:
Long QT syndrome (LQTS). Identifiers: MedGen C0023976, MeSH D008133, MONDO:0002442. Disease mechanism: loss of function. Inheritance: Various modes of inheritance.
Cardiovascular phenotype. Identifiers: MedGen CN230736.

Allele frequency attached by ClinVar (database versions not stated): gnomAD exomes 0.00008.
gnomAD v4.1: 62 of 1,613,748 alleles (0.0038%); highest among the groups gnomAD compares: South Asian, 0.051%; 1 homozygote.

Submissions (4):

Labcorp Genetics (formerly Invitae), Labcorp
Classification: Likely benign for Long QT syndrome. Last evaluated: 2025-06-09. Review status: criteria provided, single submitter. Criteria: Invitae Variant Classification Sherloc (09022015). Collection method: clinical testing. Allele origin: germline.

Ambry Genetics
Classification: Benign for Cardiovascular phenotype. Last evaluated: 2024-12-05. Review status: criteria provided, single submitter. Criteria: Ambry Variant Classification Scheme 2023. Collection method: clinical testing. Allele origin: germline.

Blueprint Genetics
Classification: Likely benign. Last evaluated: 2024-11-21. Review status: criteria provided, single submitter. Criteria: ACMG Guidelines, 2015. Collection method: clinical testing. Allele origin: germline.

CeGaT Center for Human Genetics Tuebingen
Classification: Likely benign. Last evaluated: 2022-10-01. Review status: criteria provided, single submitter. Criteria: CeGaT Center For Human Genetics Tuebingen Variant Classification Criteria Version 2. Collection method: clinical testing. Allele origin: germline. Affected: yes. Observed: 2 variant alleles.
Comment: CACNA1C: PP2, BS2

NM_000719.7(CACNA1C):c.5284G>C (p.Gly1762Arg)

Genes: CACNA1C (calcium voltage-gated channel subunit alpha1 C; plus strand), CACNA1C-AS1 (CACNA1C antisense RNA 1; minus strand). Cytogenetic location: 12p13.33.
Variant type: single nucleotide variant.
Coding change: c.5284G>C on transcript NM_000719.7 (MANE Select); coding-DNA position 5284, G replaced by C.
Protein change: p.Gly1762Arg; replaces glycine 1762 with arginine.
Molecular consequence: missense variant.
Genome position (GRCh38, 1-based): chr12:2,679,636, G>C. VCF-style: chr12-2679636-G-C. GRCh37 (hg19) VCF-style: chr12-2788802-G-C.
Other names: c.5428G>C, p.Gly1810Arg (NM_001129827.2, NM_199460.4); c.5407G>C, p.Gly1803Arg (NM_001129829.2); c.5284G>C, p.Gly1762Arg (NM_001129830.3, NM_001129840.2, NM_001129841.2 and 4 more transcripts); c.5368G>C, p.Gly1790Arg (NM_001129831.2); c.5344G>C, p.Gly1782Arg (NM_001129832.2); c.5341G>C, p.Gly1781Arg (NM_001129833.2, NM_001129834.2, NM_001129835.2); c.5335G>C, p.Gly1779Arg (NM_001129836.2); c.5308G>C, p.Gly1770Arg (NM_001129837.2, NM_001129838.2); and 3 more; short protein forms G1762R, G1810R, G1751R, G1759R, G1768R, G1779R, G1782R, G1790R.
Identifiers: ClinVar variation 526966 (VCV000526966.38), dbSNP rs374863121, ClinGen allele CA6389746.